The following is an entry in ClinVar:

ClinVar aggregate classification (germline): Uncertain significance (1 of 4 stars; one submission).

Conditions:
FKBP4-related disorder. Also called: FKBP4-related condition.

Allele frequency attached by ClinVar (database versions not stated): gnomAD exomes below 0.00001.

Submission:

PreventionGenetics, part of Exact Sciences
Classification: Uncertain significance for FKBP4-related condition. Last evaluated: 2023-07-12. Review status: criteria provided, single submitter. Criteria: ACMG Guidelines, 2015. Collection method: clinical testing. Allele origin: germline.
Comment: The FKBP4 c.1319T>C variant is predicted to result in the amino acid substitution p.Met440Thr. To our knowledge, this variant has not been reported in the literature or in a large population database, indicating this variant is rare. At this time, the clinical significance of this variant is uncertain due to the absence of conclusive functional and genetic evidence.

NM_002014.4(FKBP4):c.1319T>C (p.Met440Thr)

Genes: FKBP4 (FKBP prolyl isomerase 4; plus strand), ITFG2-AS1 (ITFG2 antisense RNA 1; minus strand). Cytogenetic location: 12p13.33.
Variant type: single nucleotide variant.
Coding change: c.1319T>C on transcript NM_002014.4 (MANE Select); coding-DNA position 1319, T replaced by C.
Protein change: p.Met440Thr; replaces methionine 440 with threonine.
Molecular consequence: missense variant.
Genome position (GRCh38, 1-based): chr12:2,803,197, T>C. VCF-style: chr12-2803197-T-C. GRCh37 (hg19) VCF-style: chr12-2912363-T-C.
Other names: short protein forms M440T.
Identifiers: ClinVar variation 2631592 (VCV002631592.1), dbSNP rs775815627, ClinGen allele CA231644134.